The following is an entry in ClinVar:

NM_001142864.4(PIEZO1):c.1020+10T>C

Genes: HSALR1 (HSP90AB1 associated lncRNA 1; plus strand), PIEZO1 (piezo type mechanosensitive ion channel component 1 (Er blood group); minus strand). Cytogenetic location: 16q24.3.
Variant type: single nucleotide variant.
Coding change: c.1020+10T>C on transcript NM_001142864.4 (MANE Select); 10 bases into the intron after coding-DNA position 1020, T replaced by C.
Molecular consequence: intron variant. On other transcripts: non-coding transcript variant (1).
Genome position (GRCh38, 1-based): chr16:88,737,924, A>G on the plus strand (T>C on the coding strand, the complement: PIEZO1 is on the minus strand). VCF-style: chr16-88737924-A-G. GRCh37 (hg19) VCF-style: chr16-88804332-A-G.
Other names: p.?.
Identifiers: ClinVar variation 3710747 (VCV003710747.3).
Genomic context (GRCh38, chr16:88,737,924, plus strand): 5'-AGGCAGGAGGTCCTGAGACCAGCCCCATGGCCTGGCCTCAGCCCACCCACCATGGGTGGC[A>G]GGTGCTCACCTGGCCGGAGGGGCGGTACGCGCGGAGCTTGCGCAGAGAGGCCGTGGCGTA-3'

ClinVar aggregate classification (germline): Likely benign. Review status: criteria provided, multiple submitters, no conflicts (2 of 4 stars). 2 submissions from 2 submitters: Likely benign (2). Last evaluated 2025-05-15.

gnomAD v4.1: 20 of 1,529,516 alleles (0.0013%); highest among the groups gnomAD compares: African/African-American, 0.022%; no homozygotes.

Submissions (2):

Mayo Clinic Laboratories, Mayo Clinic
Classification: Likely benign. Last evaluated: 2025-05-15. Review status: criteria provided, single submitter. Criteria: ACMG Guidelines, 2015. Collection method: clinical testing. Allele origin: germline. Observed: 1 variant allele.
Comment: BP4, BP7

Labcorp Genetics (formerly Invitae), Labcorp
Classification: Likely benign. Last evaluated: 2024-02-17. Review status: criteria provided, single submitter. Criteria: Invitae Variant Classification Sherloc (09022015). Collection method: clinical testing. Allele origin: germline.